The following is an entry in ClinVar:

NM_002101.5(GYPC):c.50-10C>G

Gene: GYPC (glycophorin C (Gerbich blood group); plus strand). Cytogenetic location: 2q14.3.
Variant type: single nucleotide variant.
Coding change: c.50-10C>G on transcript NM_002101.5 (MANE Select); 10 bases into the intron before coding-DNA position 50, C replaced by G.
Molecular consequence: intron variant.
Genome position (GRCh38, 1-based): chr2:126,690,245, C>G. VCF-style: chr2-126690245-C-G. GRCh37 (hg19) VCF-style: chr2-127447821-C-G.
Other names: p.?; c.-14-10C>G (NM_001256584.2); c.50-3619C>G (NM_016815.4).
Identifiers: ClinVar variation 4684588 (VCV004684588.1).
Genomic context (GRCh38, chr2:126,690,245, plus strand): 5'-TTGGGCCAAGGTGCTGCTAGGCATGGAGAGTCTTCCTCTCTGACCTCAGATTCTTGTCCT[C>G]TGTTCACAGAGCCTGATCCGGGGATGGCCTCTGCCTCCACCACAATGCATACTACCACCA-3'

ClinVar aggregate classification (germline): Likely benign (1 of 4 stars; one submission).

Submission:

Mayo Clinic Laboratories, Mayo Clinic
Classification: Likely benign. Last evaluated: 2025-08-13. Review status: criteria provided, single submitter. Criteria: ACMG Guidelines, 2015. Collection method: clinical testing. Allele origin: germline. Observed: 1 variant allele.
Comment: BP4, BP7, PM2_supporting